The following is an entry in ClinVar:

NM_001242896.3(DEPDC5):c.4391C>T (p.Thr1464Met)

Gene: DEPDC5 (DEP domain containing 5, GATOR1 subcomplex subunit; plus strand). Cytogenetic location: 22q12.3.
Variant type: single nucleotide variant.
Coding change: c.4391C>T on transcript NM_001242896.3 (MANE Select); coding-DNA position 4391, C replaced by T.
Protein change: p.Thr1464Met; replaces threonine 1464 with methionine.
Molecular consequence: missense variant. On other transcripts: non-coding transcript variant (5).
Genome position (GRCh38, 1-based): chr22:31,901,757, C>T. VCF-style: chr22-31901757-C-T. GRCh37 (hg19) VCF-style: chr22-32297743-C-T.
Other names: c.4364C>T, p.Thr1455Met (NM_001136029.4); c.4091C>T, p.Thr1364Met (NM_001242897.2); c.4325C>T, p.Thr1442Met (NM_001363852.2, NM_001364320.2); c.4157C>T, p.Thr1386Met (NM_001363854.2, NM_001364319.2); c.4391C>T, p.Thr1464Met (NM_001364318.2); c.4307C>T, p.Thr1436Met (NM_001369901.1, NM_001369902.1); c.4298C>T, p.Thr1433Met (NM_001369903.1, NM_014662.6); short protein forms T1464M, T1364M, T1436M, T1455M, T1386M, T1442M, T1433M.
Identifiers: ClinVar variation 577759 (VCV000577759.18), dbSNP rs556147064, ClinGen allele CA10197232.
Genomic context (GRCh38, chr22:31,901,757, plus strand): 5'-AACCTTGTGATCACAACCCAATATTTATTCTTATTTTCCTTTCAGGCTTTGAACCCGAAA[C>T]GTACTGGGATCGAATGCACCTCTTCCAGGAAGCCATTGCACACAGGTTTGTCCCTTAGCA-3'
Protein context (NP_001229825.1, residues 1454-1474): EHLFDSFEPE[Thr1464Met]YWDRMHLFQE

ClinVar aggregate classification (germline): Conflicting classifications of pathogenicity. Review status: criteria provided, conflicting classifications (1 of 4 stars). 4 submissions from 4 submitters: Uncertain significance (2); Likely benign (2). Last evaluated 2026-01-24.

Conditions:
Inborn genetic diseases. Identifiers: MedGen C0950123, MeSH D030342.
Familial focal epilepsy with variable foci (FPEVF). Identifiers: Orphanet 98820, MedGen C1858477, MONDO:0020310.

Allele frequency attached by ClinVar (database versions not stated): gnomAD exomes 0.00002; ExAC 0.00004; TOPMed 0.00009; gnomAD 0.00019; 1000 Genomes Project 0.00020; 1000 Genomes Project 30x 0.00031.
gnomAD v4.1: 68 of 1,613,262 alleles (0.0042%); highest among the groups gnomAD compares: Admixed American, 0.057%; 1 homozygote.

Submissions (4):

Labcorp Genetics (formerly Invitae), Labcorp
Classification: Uncertain significance for Familial focal epilepsy with variable foci. Last evaluated: 2026-01-24. Review status: criteria provided, single submitter. Criteria: Invitae Variant Classification Sherloc (09022015). Collection method: clinical testing. Allele origin: germline.
Comment: This sequence change replaces threonine, which is neutral and polar, with methionine, which is neutral and non-polar, at codon 1464 of the DEPDC5 protein (p.Thr1464Met). This variant is present in population databases (rs556147064, gnomAD 0.01%). This variant has not been reported in the literature in individuals affected with DEPDC5-related conditions. ClinVar contains an entry for this variant (Variation ID: 577759). Experimental studies and prediction algorithms are not available or were not evaluated, and the functional significance of this variant is currently unknown. In summary, the available evidence is currently insufficient to determine the role of this variant in disease. Therefore, it has been classified as a Variant of Uncertain Significance.

Ambry Genetics
Classification: Likely benign for Inborn genetic diseases. Last evaluated: 2023-11-03. Review status: criteria provided, single submitter. Criteria: Ambry Variant Classification Scheme 2023. Collection method: clinical testing. Allele origin: germline.

GeneDx
Classification: Likely benign. Last evaluated: 2020-09-09. Review status: criteria provided, single submitter. Criteria: GeneDx Variant Classification Process June 2021. Collection method: clinical testing. Allele origin: germline. Affected: yes.

Athena Diagnostics
Classification: Uncertain significance. Last evaluated: 2019-01-03. Review status: criteria provided, single submitter. Criteria: Athena Diagnostics Criteria. Collection method: clinical testing. Allele origin: germline.